The following is an entry in ClinVar:

ClinVar aggregate classification (germline): Conflicting classifications of pathogenicity. Review status: criteria provided, conflicting classifications (1 of 4 stars). 2 submissions from 2 submitters: Uncertain significance (1); Likely benign (1). Last evaluated 2019-10-18.

Conditions:
Intellectual disability. Also called: Intellectual functioning disability; intellectual disabilities; Intellectual developmental disorder. Identifiers: MedGen C3714756, MeSH D008607, MONDO:0001071, HP:0001249.

Submissions (2):

Cambridge Genomics Laboratory, East Genomic Laboratory Hub, NHS Genomic Medicine Service
Classification: Uncertain significance for Intellectual disability. Last evaluated: 2019-10-18. Review status: criteria provided, single submitter. Criteria: ACGS Best Practice Guidelines for Variant Classification in Rare Disease 2020. Collection method: clinical testing. Allele origin: germline. Affected: yes. Observed: 1 variant allele.

Biesecker Lab/Clinical Genomics Section, National Institutes of Health
Classification: Likely benign. Last evaluated: 2013-06-24. Review status: criteria provided, single submitter. Criteria: Ng et al. (Circ Cardiovasc Genet. 2013). Collection method: research. Allele origin: unknown. Observed: 3 variant alleles. Study: ClinSeq.
Comment: The study set was not selected for affection status in relation to any cancer. Pathogenicity categories were based on literature curation. See Pubmed ID:23861362 for details.

Medical sequencing

NM_020297.4(ABCC9):c.4512+745T>A

Genes: ABCC9 (ATP binding cassette subfamily C member 9; minus strand), KCNJ8-AS1 (KCNJ8 antisense RNA 1; plus strand). Cytogenetic location: 12p12.1.
Variant type: single nucleotide variant.
Coding change: c.4512+745T>A on transcript NM_020297.4 (MANE Select); 745 bases into the intron after coding-DNA position 4512, T replaced by A.
Molecular consequence: intron variant. On other transcripts: nonsense (1).
Genome position (GRCh38, 1-based): chr12:21,805,253, A>T on the plus strand (T>A on the coding strand, the complement: ABCC9 is on the minus strand). VCF-style: chr12-21805253-A-T. GRCh37 (hg19) VCF-style: chr12-21958187-A-T.
Other names: c.4571T>A, p.Leu1524Ter (NM_005691.4); c.3645+745T>A (NM_001377274.1); c.4512+745T>A (NM_001377273.1); short protein forms L1524*.
Identifiers: ClinVar variation 192109 (VCV000192109.7), dbSNP rs150631550, ClinGen allele CA238374.